The following is an entry in ClinVar:

ClinVar aggregate classification (germline): Uncertain significance (1 of 4 stars; one submission).

Submission:

Ambry Genetics
Classification: Uncertain significance. Last evaluated: 2025-04-05. Review status: criteria provided, single submitter. Criteria: Ambry Variant Classification Scheme 2023. Collection method: clinical testing. Allele origin: germline.
Comment: The p.C16W variant (also known as c.48C>G), located in coding exon 2 of the RINT1 gene, results from a C to G substitution at nucleotide position 48. The cysteine at codon 16 is replaced by tryptophan, an amino acid with highly dissimilar properties. This amino acid position is conserved. In addition, this alteration is predicted to be tolerated by in silico analysis. Since supporting evidence is limited at this time, the clinical significance of this alteration remains unclear.

NM_021930.6(RINT1):c.48C>G (p.Cys16Trp)

Gene: RINT1 (RAD50 interactor 1; plus strand). Cytogenetic location: 7q22.3.
Variant type: single nucleotide variant.
Coding change: c.48C>G on transcript NM_021930.6 (MANE Select); coding-DNA position 48, C replaced by G.
Protein change: p.Cys16Trp; replaces cysteine 16 with tryptophan.
Molecular consequence: missense variant. On other transcripts: 5 prime UTR variant (4), non-coding transcript variant (1).
Genome position (GRCh38, 1-based): chr7:105,532,829, C>G. VCF-style: chr7-105532829-C-G. GRCh37 (hg19) VCF-style: chr7-105173276-C-G.
Other names: c.-50C>G (NM_001346599.2); c.-972C>G (NM_001346600.2); c.-875C>G (NM_001346601.2); c.-495C>G (NM_001346603.2); short protein forms C16W.
Identifiers: ClinVar variation 1743934 (VCV001743934.3), dbSNP rs2485090685, ClinGen allele CA368799255.